The following is an entry in ClinVar:

ClinVar aggregate classification (germline): Pathogenic (1 of 4 stars; one submission).

Allele frequency attached by ClinVar (database versions not stated): gnomAD exomes below 0.00001; TOPMed below 0.00001; ExAC 0.00002.
gnomAD v4.1: 1 of 1,549,746 alleles (0.000065%); highest among the groups gnomAD compares: Non-Finnish European, 0.000087%; no homozygotes.

Submission:

Labcorp Genetics (formerly Invitae), Labcorp
Classification: Pathogenic. Last evaluated: 2023-08-18. Review status: criteria provided, single submitter. Criteria: Invitae Variant Classification Sherloc (09022015). Collection method: clinical testing. Allele origin: germline.
Comment: This variant has not been reported in the literature in individuals affected with TBCD-related conditions. For these reasons, this variant has been classified as Pathogenic. The frequency data for this variant in the population databases is considered unreliable, as metrics indicate poor data quality at this position in the gnomAD database. This sequence change creates a premature translational stop signal (p.Trp378*) in the TBCD gene. It is expected to result in an absent or disrupted protein product. Loss-of-function variants in TBCD are known to be pathogenic (PMID: 27666370, 27666374).

Literature cited by the submitters: PubMed 27666370; PubMed 27666374.

NM_005993.5(TBCD):c.1134G>A (p.Trp378Ter)

Gene: TBCD (tubulin folding cofactor D). Cytogenetic location: 17q25.3.
Variant type: single nucleotide variant.
Coding change: c.1134G>A on transcript NM_005993.5 (MANE Select); coding-DNA position 1134, G replaced by A.
Protein change: p.Trp378Ter; replaces tryptophan 378 with a stop codon.
Molecular consequence: nonsense.
Genome position (GRCh38, 1-based): chr17:82,807,654, G>A. VCF-style: chr17-82807654-G-A. GRCh37 (hg19) VCF-style: chr17-80765530-G-A.
Other names: c.1083G>A, p.Trp361Ter (NM_001411101.1); c.1134G>A, p.Trp378Ter (NM_001411102.1); short protein forms W361*, W378*.
Identifiers: ClinVar variation 3010024 (VCV003010024.3), dbSNP rs767747027, ClinGen allele CA8861903.
Genomic context (GRCh38, chr17:82,807,654, plus strand): 5'-TCCTCTTCCTACAGAGCAGCTGCTGGTCGGGCTGAAGGACAAGGACACGGTCGTGCGGTG[G>A]TCTGCAGCCAAGGGGTAGGTGTCTGTGGCCGCAGAAGCACCCCGGGGGGTGGGCCGGCCT-3'